The following is an entry in ClinVar:

ClinVar aggregate classification (germline): Conflicting classifications of pathogenicity. Review status: criteria provided, conflicting classifications (1 of 4 stars). 3 submissions from 3 submitters: Uncertain significance (1); Likely benign (2). Last evaluated 2026-08-01.

Conditions:
Autosomal recessive distal spinal muscular atrophy 1. Also called: SEVERE INFANTILE AXONAL NEUROPATHY WITH RESPIRATORY FAILURE; SPINAL MUSCULAR ATROPHY, DIAPHRAGMATIC; Spinal muscular atrophy with respiratory distress 1; NEURONOPATHY, DISTAL HEREDITARY MOTOR, HARDING TYPE VI; NEUROPATHY, DISTAL HEREDITARY MOTOR, AUTOSOMAL RECESSIVE 1; NEURONOPATHY, SEVERE INFANTILE AXONAL, WITH RESPIRATORY FAILURE. Identifiers: Orphanet 98920, MedGen C1858517, MONDO:0011436, OMIM 604320.
Charcot-Marie-Tooth disease axonal type 2S. Also called: CHARCOT-MARIE-TOOTH DISEASE, AXONAL, AUTOSOMAL RECESSIVE, TYPE 2S; CHARCOT-MARIE-TOOTH NEUROPATHY, TYPE 2S. Identifiers: Orphanet 443073, MedGen C4015349, MONDO:0014511, OMIM 616155.

Allele frequency attached by ClinVar (database versions not stated): gnomAD 0.00001; gnomAD exomes 0.00002; TOPMed 0.00002; ExAC 0.00003.
gnomAD v4.1: 22 of 1,613,952 alleles (0.0014%); highest among the groups gnomAD compares: South Asian, 0.0099%; no homozygotes.

Submissions (3):

CeGaT Center for Human Genetics Tuebingen
Classification: Likely benign. Last evaluated: 2026-08-01. Review status: criteria provided, single submitter. Criteria: CeGaT Center For Human Genetics Tuebingen Variant Classification Criteria Version 2. Collection method: clinical testing. Allele origin: germline. Affected: yes. Observed: 1 variant allele.
Comment: IGHMBP2: BP4, BP7

Labcorp Genetics (formerly Invitae), Labcorp
Classification: Likely benign for Autosomal recessive distal spinal muscular atrophy 1; Charcot-Marie-Tooth disease axonal type 2S. Last evaluated: 2025-02-26. Review status: criteria provided, single submitter. Criteria: Invitae Variant Classification Sherloc (09022015). Collection method: clinical testing. Allele origin: germline.

Illumina Laboratory Services, Illumina
Classification: Uncertain significance for Autosomal recessive distal spinal muscular atrophy 1. Last evaluated: 2018-04-20. Review status: criteria provided, single submitter. Criteria: ICSL Variant Classification Criteria 13 December 2019. Collection method: clinical testing. Allele origin: germline.

NM_002180.3(IGHMBP2):c.2667C>T (p.Ala889=)

Gene: IGHMBP2 (immunoglobulin mu DNA binding protein 2; plus strand). Cytogenetic location: 11q13.3.
Variant type: single nucleotide variant.
Coding change: c.2667C>T on transcript NM_002180.3 (MANE Select); coding-DNA position 2667, C replaced by T.
Protein change: p.Ala889=; no amino-acid change (alanine 889 retained).
Molecular consequence: synonymous variant.
Genome position (GRCh38, 1-based): chr11:68,938,237, C>T. VCF-style: chr11-68938237-C-T. GRCh37 (hg19) VCF-style: chr11-68705705-C-T.
Identifiers: ClinVar variation 882654 (VCV000882654.13), dbSNP rs770556515, ClinGen allele CA6153979.